The following is an entry in ClinVar:

ClinVar aggregate classification (germline): Uncertain significance. Review status: criteria provided, multiple submitters, no conflicts (2 of 4 stars). 2 submissions from 2 submitters: Uncertain significance (2). Last evaluated 2026-03-17.

Conditions:
Inborn genetic diseases. Identifiers: MedGen C0950123, MeSH D030342.

Allele frequency attached by ClinVar (database versions not stated): ExAC 0.00002.
gnomAD v4.1: 5 of 1,614,110 alleles (0.00031%); highest among the groups gnomAD compares: Non-Finnish European, 0.00042%; no homozygotes.

Submissions (2):

Women's Health and Genetics/Laboratory Corporation of America, LabCorp
Classification: Uncertain significance. Last evaluated: 2026-03-17. Review status: criteria provided, single submitter. Criteria: LabCorp Variant Classification Summary - May 2015. Collection method: clinical testing. Allele origin: germline.
Comment: Variant summary: COL12A1 c.1427G>A (p.Arg476Lys) results in a conservative amino acid change in the encoded protein sequence. Algorithms developed to predict the effect of missense changes on protein structure and function are either unavailable or do not agree on the potential impact of this missense change. The variant allele was found at a frequency of 1.2e-05 in 248800 control chromosomes. The available data on variant occurrences in the general population are insufficient to allow any conclusion about variant significance. To our knowledge, no occurrence of c.1427G>A in individuals affected with COL12A1-related conditions and no experimental evidence demonstrating its impact on protein function have been reported. ClinVar contains an entry for this variant (Variation ID: 2286332). Based on the evidence outlined above, the variant was classified as uncertain significance.

Ambry Genetics
Classification: Uncertain significance for Inborn genetic diseases. Last evaluated: 2025-08-07. Review status: criteria provided, single submitter. Criteria: Ambry Variant Classification Scheme 2023. Collection method: clinical testing. Allele origin: germline.

NM_004370.6(COL12A1):c.1427G>A (p.Arg476Lys)

Gene: COL12A1 (collagen type XII alpha 1 chain; minus strand). Cytogenetic location: 6q13.
Variant type: single nucleotide variant.
Coding change: c.1427G>A on transcript NM_004370.6 (MANE Select); coding-DNA position 1427, G replaced by A.
Protein change: p.Arg476Lys; replaces arginine 476 with lysine.
Molecular consequence: missense variant. On other transcripts: intron variant (1).
Genome position (GRCh38, 1-based): chr6:75,183,514, C>T on the plus strand (G>A on the coding strand, the complement: COL12A1 is on the minus strand). VCF-style: chr6-75183514-C-T. GRCh37 (hg19) VCF-style: chr6-75893230-C-T.
Other names: c.73+19206G>A (NM_080645.3); short protein forms R476K.
Identifiers: ClinVar variation 2286332 (VCV002286332.4), dbSNP rs767743127, ClinGen allele CA3894204.